The following is an entry in ClinVar:

NM_024426.6(WT1):c.708G>A (p.Thr236=)

Gene: WT1 (WT1 transcription factor; minus strand). Cytogenetic location: 11p13.
Variant type: single nucleotide variant.
Coding change: c.708G>A on transcript NM_024426.6 (MANE Select); coding-DNA position 708, G replaced by A.
Protein change: p.Thr236=; no amino-acid change (threonine 236 retained).
Molecular consequence: synonymous variant. On other transcripts: 5 prime UTR variant (1), non-coding transcript variant (2), intron variant (2).
Genome position (GRCh38, 1-based): chr11:32,428,573, C>T on the plus strand (G>A on the coding strand, the complement: WT1 is on the minus strand). VCF-style: chr11-32428573-C-T. GRCh37 (hg19) VCF-style: chr11-32450119-C-T.
Other names: c.708G>A, p.Thr236= (NM_000378.6, NM_001407044.1, NM_001407045.1 and 4 more transcripts); c.57G>A, p.Thr19= (NM_001198551.2, NM_001198552.2); c.-55G>A (NM_001407051.1); c.693G>A, p.Thr231= (NM_024425.2); c.662-515G>A (NM_001407050.1, NM_001407047.1).
Identifiers: ClinVar variation 543160 (VCV000543160.16), dbSNP rs768828897, ClinGen allele CA065505.
Genomic context (GRCh38, chr11:32,428,573, plus strand): 5'-GCCCATGGGATCCTCATGCTTGAATGAGTGGTTGGGGAACTGCGCCGCATGGTGCGAGGG[C>T]GTGTGACCGTAGCTGGGCGTCCCGTCGAAGGTGACCGTGCTGTAACCTGCGGGAGCGGCG-3'
Protein context (NP_077744.4, residues 226-246): TFDGTPSYGH[Thr236=]PSHHAAQFPN

ClinVar aggregate classification (germline): Likely benign. Review status: criteria provided, multiple submitters, no conflicts (2 of 4 stars). 4 submissions from 4 submitters: Likely benign (4). Last evaluated 2025-09-13.

Conditions:
Wilms tumor 1 (WT1). Also called: Wilms tumor, somatic. Identifiers: Orphanet 654, MedGen CN033288, MONDO:0008679, OMIM 194070.
11p partial monosomy syndrome (WAGR). Also called: CHROMOSOME 11p13 DELETION SYNDROME; WAGR Spectrum Disorder; WAGR syndrome; WAGR Complex. Identifiers: Orphanet 893, MedGen C0206115, MONDO:0008681, OMIM 194072.
Aniridia 1 (AN1). Identifiers: Orphanet 250923, MedGen C0344542, MONDO:0024507, OMIM 106210.
Meacham syndrome. Also called: Meacham Winn Culler syndrome. Identifiers: Orphanet 3097, MedGen C1837026, MONDO:0012164, OMIM 608978.
Mesothelioma, malignant (MESOM). Also called: Malignant mesothelioma (disease). Identifiers: Orphanet 50251, MedGen C0345967, MONDO:0006292, OMIM 156240, HP:0100001.
Frasier syndrome. Identifiers: Orphanet 347, MedGen C0950122, MeSH D052159, MONDO:0007635, OMIM 136680.
Nephrotic syndrome, type 4 (NPHS4). Also called: Familial mesangial sclerosis; Nephrotic syndrome, early onset with diffuse mesangial sclerosis. Identifiers: Orphanet 656, MedGen C3151568, MONDO:0009733, OMIM 256370.
Drash syndrome (DDS). Also called: NEPHROPATHY, WILMS TUMOR, AND GENITAL ANOMALIES; WILMS TUMOR AND PSEUDO- OR TRUE HERMAPHRODITISM. Identifiers: Orphanet 220, MedGen C0950121, MONDO:0008682, OMIM 194080.
Inborn genetic diseases. Identifiers: MedGen C0950123, MeSH D030342.

Allele frequency attached by ClinVar (database versions not stated): gnomAD exomes below 0.00001; TOPMed below 0.00001; ExAC 0.00001.
gnomAD v4.1: 2 of 1,613,976 alleles (0.00012%); no homozygotes.

Submissions (4):

Labcorp Genetics (formerly Invitae), Labcorp
Classification: Likely benign for Wilms tumor 1; Drash syndrome; 11p partial monosomy syndrome; Frasier syndrome. Last evaluated: 2025-09-13. Review status: criteria provided, single submitter. Criteria: Invitae Variant Classification Sherloc (09022015). Collection method: clinical testing. Allele origin: germline.

Ambry Genetics
Classification: Likely benign for Inborn genetic diseases. Last evaluated: 2025-03-06. Review status: criteria provided, single submitter. Criteria: Ambry Variant Classification Scheme 2023. Collection method: clinical testing. Allele origin: germline.

All of Us Research Program, National Institutes of Health
Classification: Likely benign for Wilms tumor 1. Last evaluated: 2023-05-30. Review status: criteria provided, single submitter. Criteria: ACMG Guidelines, 2015. Collection method: clinical testing. Allele origin: germline. Inheritance: Autosomal dominant inheritance. Observed: 1 variant allele, 1 heterozygote.
Comment: This study involves interpretation of variants in research participants for the purpose of population health screening. Participant phenotype was not available at the time of variant classification. Additional details can be found in publication PMID: 35346344, PMCID: PMC8962531

Fulgent Genetics
Classification: Likely benign for Aniridia 1; Frasier syndrome; Mesothelioma, malignant; Wilms tumor 1; 11p partial monosomy syndrome; Drash syndrome; Nephrotic syndrome, type 4; Meacham syndrome. Last evaluated: 2021-10-26. Review status: criteria provided, single submitter. Criteria: ACMG Guidelines, 2015. Collection method: clinical testing. Allele origin: unknown.